The following is an entry in ClinVar:

NM_022725.4(FANCF):c.221G>A (p.Arg74Gln)

Gene: FANCF (FA complementation group F; minus strand). Cytogenetic location: 11p14.3.
Variant type: single nucleotide variant.
Coding change: c.221G>A on transcript NM_022725.4 (MANE Select); coding-DNA position 221, G replaced by A.
Protein change: p.Arg74Gln; replaces arginine 74 with glutamine.
Molecular consequence: missense variant.
Genome position (GRCh38, 1-based): chr11:22,625,590, C>T on the plus strand (G>A on the coding strand, the complement: FANCF is on the minus strand). VCF-style: chr11-22625590-C-T. GRCh37 (hg19) VCF-style: chr11-22647136-C-T.
Other names: short protein forms R74Q.
Identifiers: ClinVar variation 1040515 (VCV001040515.9), dbSNP rs1858634295, ClinGen allele CA380059467.
Genomic context (GRCh38, chr11:22,625,590, plus strand): 5'-GAGAGCAGGACGTCACAGTGACCGAGGGCCTGGAAGTTCGCTAATCCCGGAACTGGACCC[C>T]GCCCAAAGCCGCCCTCTTGCCTCCACTGGTTGTGCAGCCGCCGCTCCAGAGCCGTGCGAA-3'
Protein context (NP_073562.1, residues 64-84): NQWRQEGGFG[Arg74Gln]GPVPGLANFQ

ClinVar aggregate classification (germline): Uncertain significance (1 of 4 stars; one submission).

Conditions:
Fanconi anemia (FA). Also called: Fanconi's anemia. Identifiers: Orphanet 84, MedGen C0015625, MeSH D005199, MONDO:0019391.

Submission:

Labcorp Genetics (formerly Invitae), Labcorp
Classification: Uncertain significance for Fanconi anemia. Last evaluated: 2024-06-23. Review status: criteria provided, single submitter. Criteria: Invitae Variant Classification Sherloc (09022015). Collection method: clinical testing. Allele origin: germline.
Comment: This sequence change replaces arginine, which is basic and polar, with glutamine, which is neutral and polar, at codon 74 of the FANCF protein (p.Arg74Gln). This variant is not present in population databases (gnomAD no frequency). This variant has not been reported in the literature in individuals affected with FANCF-related conditions. ClinVar contains an entry for this variant (Variation ID: 1040515). Advanced modeling of protein sequence and biophysical properties (such as structural, functional, and spatial information, amino acid conservation, physicochemical variation, residue mobility, and thermodynamic stability) performed at Invitae indicates that this missense variant is not expected to disrupt FANCF protein function with a negative predictive value of 80%. In summary, the available evidence is currently insufficient to determine the role of this variant in disease. Therefore, it has been classified as a Variant of Uncertain Significance.